The following is an entry in ClinVar:

NM_176787.5(PIGN):c.205A>G (p.Arg69Gly)

Gene: PIGN (phosphatidylinositol glycan anchor biosynthesis class N; minus strand). Cytogenetic location: 18q21.33.
Variant type: single nucleotide variant.
Coding change: c.205A>G on transcript NM_176787.5 (MANE Select); coding-DNA position 205, A replaced by G.
Protein change: p.Arg69Gly; replaces arginine 69 with glycine.
Molecular consequence: missense variant.
Genome position (GRCh38, 1-based): chr18:62,161,149, T>C on the plus strand (A>G on the coding strand, the complement: PIGN is on the minus strand). VCF-style: chr18-62161149-T-C. GRCh37 (hg19) VCF-style: chr18-59828382-T-C.
Other names: c.205A>G, p.Arg69Gly (NM_012327.6); short protein forms R69G.
Identifiers: ClinVar variation 1041605 (VCV001041605.7), dbSNP rs1389624822, ClinGen allele CA402604219.

ClinVar aggregate classification (germline): Uncertain significance (1 of 4 stars; one submission).

Conditions:
Multiple congenital anomalies-hypotonia-seizures syndrome 1 (MCAHS1). Also called: PIGN-CDG; Congenital disorder of glycosylation due to PIGN deficiency; GLYCOSYLPHOSPHATIDYLINOSITOL BIOSYNTHESIS DEFECT 3. Identifiers: Orphanet 280633, MedGen C3279775, MONDO:0013563, OMIM 614080.

Allele frequency attached by ClinVar (database versions not stated): gnomAD exomes below 0.00001; TOPMed below 0.00001.
gnomAD v4.1: 6 of 1,611,390 alleles (0.00037%); highest among the groups gnomAD compares: South Asian, 0.0011%; no homozygotes.

Submission:

Labcorp Genetics (formerly Invitae), Labcorp
Classification: Uncertain significance for Multiple congenital anomalies-hypotonia-seizures syndrome 1. Last evaluated: 2022-07-09. Review status: criteria provided, single submitter. Criteria: Invitae Variant Classification Sherloc (09022015). Collection method: clinical testing. Allele origin: germline.
Comment: In summary, the available evidence is currently insufficient to determine the role of this variant in disease. Therefore, it has been classified as a Variant of Uncertain Significance. Algorithms developed to predict the effect of missense changes on protein structure and function are either unavailable or do not agree on the potential impact of this missense change (SIFT: "Not Available"; PolyPhen-2: "Possibly Damaging"; Align-GVGD: "Not Available"). ClinVar contains an entry for this variant (Variation ID: 1041605). This variant has not been reported in the literature in individuals affected with PIGN-related conditions. This variant is not present in population databases (gnomAD no frequency). This sequence change replaces arginine, which is basic and polar, with glycine, which is neutral and non-polar, at codon 69 of the PIGN protein (p.Arg69Gly).